The following is an entry in ClinVar:

Conditions:
Breast-ovarian cancer, familial, susceptibility to, 1 (BROVCA1). Also called: BRCA1 Hereditary Breast and Ovarian Cancer; OVARIAN CANCER, SUSCEPTIBILITY TO. Identifiers: Orphanet 145, MedGen C2676676, MONDO:0011450, OMIM 604370. Disease mechanism: loss of function.

Submission:

Brotman Baty Institute, University of Washington
No classification provided (evidence only). Condition: Breast-ovarian cancer, familial 1. Review status: no classification provided. Collection method: in vitro. Allele origin: not applicable. Functional consequence: functionally_normal.
ClinVar note: "not provided" was previously submitted as the classification for the variant. However, the classification appeared to be based only on an observation of functional data so it was converted to no classification on 2025-07-30.

NM_007294.4(BRCA1):c.135-4A>T

Gene: BRCA1 (BRCA1 DNA repair associated; minus strand). Cytogenetic location: 17q21.31.
Variant type: single nucleotide variant.
Coding change: c.135-4A>T on transcript NM_007294.4 (MANE Select); 4 bases into the intron before coding-DNA position 135, A replaced by T.
Molecular consequence: intron variant.
Genome position (GRCh38, 1-based): chr17:43,106,537, T>A on the plus strand (A>T on the coding strand, the complement: BRCA1 is on the minus strand). VCF-style: chr17-43106537-T-A. GRCh37 (hg19) VCF-style: chr17-41258554-T-A.
Other names: c.135-4A>T (NM_001408403.1, NM_001407983.1, NM_001407975.1 and 167 more transcripts); c.-169-1581A>T (NM_001407965.1, NM_001407959.1, NM_001407962.1 and 4 more transcripts); c.-7-4A>T (NM_001407930.1, NM_001407843.1, NM_001408456.1 and 99 more transcripts); c.-54-4A>T (NM_001408482.1, NM_001407954.1, NM_001407896.1 and 58 more transcripts); c.135-1581A>T (NM_001407874.1, NM_001408416.1, NM_001408414.1 and 21 more transcripts); c.-218-11677A>T (NM_001407967.1, NM_001407966.1); c.81-1581A>T (NM_001408451.1).
Identifiers: ClinVar variation 865186 (VCV000865186.3), dbSNP rs1597900683, ClinGen allele CA916080913.